The following is an entry in ClinVar:

ClinVar aggregate classification (germline): Uncertain significance (1 of 4 stars; one submission).

Submission:

GeneDx
Classification: Uncertain significance. Last evaluated: 2023-05-08. Review status: criteria provided, single submitter. Criteria: GeneDx Variant Classification Process June 2021. Collection method: clinical testing. Allele origin: germline. Affected: yes.
Comment: Not observed at significant frequency in large population cohorts (gnomAD); In silico analysis is inconclusive as to whether the variant alters gene splicing. In the absence of RNA/functional studies, the actual effect of this sequence change is unknown.; Has not been previously published as pathogenic or benign to our knowledge

NM_080632.3(UPF3B):c.470-5_470-2del

Gene: UPF3B (UPF3B regulator of nonsense mediated mRNA decay; minus strand). Cytogenetic location: Xq24.
Variant type: Deletion.
Coding change: c.470-5_470-2del on transcript NM_080632.3 (MANE Select); 5 bases into the intron before coding-DNA position 470 through the canonical splice acceptor site of the intron before coding-DNA position 470, 4 bases deleted (TTTA; older notation c.470-5_470-2delTTTA).
Molecular consequence: splice acceptor variant.
Genome position (GRCh38, 1-based): chrX:119,843,303-119,843,306, TAAA deleted on the plus strand (TTTA on the coding strand, the reverse complement: UPF3B is on the minus strand); deleting any 4 consecutive bases within chrX:119,843,303-119,843,309 gives the same sequence; the c. name uses the placement nearest the transcript's 3' end. VCF-style (leftmost placement, unchanged base first): chrX-119843302-CTAAA-C. GRCh37 (hg19) VCF-style: chrX-118977265-CTAAA-C.
Other names: c.470-5_470-2del (NM_023010.4).
Identifiers: ClinVar variation 2504551 (VCV002504551.1), dbSNP rs2521536655, ClinGen allele CA2580612465.